The following is an entry in ClinVar:

NM_006379.5(SEMA3C):c.74C>T (p.Pro25Leu)

Gene: SEMA3C (semaphorin 3C; minus strand). Cytogenetic location: 7q21.11.
Variant type: single nucleotide variant.
Coding change: c.74C>T on transcript NM_006379.5 (MANE Select); coding-DNA position 74, C replaced by T.
Protein change: p.Pro25Leu; replaces proline 25 with leucine.
Molecular consequence: missense variant. On other transcripts: 5 prime UTR variant (1).
Genome position (GRCh38, 1-based): chr7:80,916,708, G>A on the plus strand (C>T on the coding strand, the complement: SEMA3C is on the minus strand). VCF-style: chr7-80916708-G-A. GRCh37 (hg19) VCF-style: chr7-80546024-G-A.
Other names: c.128C>T, p.Pro43Leu (NM_001350120.2); c.-189C>T (NM_001350121.2); short protein forms P25L, P43L.
Identifiers: ClinVar variation 3351363 (VCV003351363.1).

ClinVar aggregate classification (germline): Uncertain significance (0 of 4 stars; one submission).

Conditions:
SEMA3C-related disorder. Also called: SEMA3C-related condition.

Submission:

PreventionGenetics, part of Exact Sciences
Classification: Uncertain significance for SEMA3C-related condition. Last evaluated: 2024-03-13. Review status: no assertion criteria provided. Collection method: clinical testing. Allele origin: germline.
Comment: The SEMA3C c.128C>T variant is predicted to result in the amino acid substitution p.Pro43Leu. To our knowledge, this variant has not been reported in the literature or in a large population database, indicating this variant is rare. At this time, the clinical significance of this variant is uncertain due to the absence of conclusive functional and genetic evidence.